The following is an entry in ClinVar:

NM_030958.3(SLCO5A1):c.2512G>T (p.Glu838Ter)

Gene: SLCO5A1 (solute carrier organic anion transporter family member 5A1; minus strand). Cytogenetic location: 8q13.3.
Variant type: single nucleotide variant.
Coding change: c.2512G>T on transcript NM_030958.3 (MANE Select); coding-DNA position 2512, G replaced by T.
Protein change: p.Glu838Ter; replaces glutamic acid 838 with a stop codon.
Molecular consequence: nonsense. On other transcripts: 3 prime UTR variant (1).
Genome position (GRCh38, 1-based): chr8:69,672,904, C>A on the plus strand (G>T on the coding strand, the complement: SLCO5A1 is on the minus strand). VCF-style: chr8-69672904-C-A. GRCh37 (hg19) VCF-style: chr8-70585139-C-A.
Other names: c.*383G>T (NM_001146008.2); c.2347G>T, p.Glu783Ter (NM_001146009.1); short protein forms E783*, E838*.
Identifiers: ClinVar variation 2169292 (VCV002169292.4), dbSNP rs552931986, ClinGen allele CA4776308.

ClinVar aggregate classification (germline): Uncertain significance (1 of 4 stars; one submission).

gnomAD v4.1: 24 of 1,613,512 alleles (0.0015%); highest among the groups gnomAD compares: Admixed American, 0.04%; no homozygotes.

Submission:

Labcorp Genetics (formerly Invitae), Labcorp
Classification: Uncertain significance. Last evaluated: 2025-12-15. Review status: criteria provided, single submitter. Criteria: Invitae Variant Classification Sherloc (09022015). Collection method: clinical testing. Allele origin: germline.
Comment: This sequence change creates a premature translational stop signal (p.Glu838*) in the SLCO5A1 gene. While this is not anticipated to result in nonsense mediated decay, it is expected to disrupt the last 11 amino acid(s) of the SLCO5A1 protein. This variant is present in population databases (rs552931986, gnomAD 0.05%). This variant has not been reported in the literature in individuals affected with SLCO5A1-related conditions. ClinVar contains an entry for this variant (Variation ID: 2169292). In summary, the available evidence is currently insufficient to determine the role of this variant in disease. Therefore, it has been classified as a Variant of Uncertain Significance.